The following is an entry in ClinVar:

NM_144687.4(NLRP12):c.709G>A (p.Gly237Arg)

Gene: NLRP12 (NLR family pyrin domain containing 12; minus strand). Cytogenetic location: 19q13.42.
Variant type: single nucleotide variant.
Coding change: c.709G>A on transcript NM_144687.4 (MANE Select); coding-DNA position 709, G replaced by A.
Protein change: p.Gly237Arg; replaces glycine 237 with arginine.
Molecular consequence: missense variant.
Genome position (GRCh38, 1-based): chr19:53,810,950, C>T on the plus strand (G>A on the coding strand, the complement: NLRP12 is on the minus strand). VCF-style: chr19-53810950-C-T. GRCh37 (hg19) VCF-style: chr19-54314204-C-T.
Other names: c.709G>A, p.Gly237Arg (NM_001277126.2, NM_001277129.1); short protein forms G237R.
Identifiers: ClinVar variation 1952686 (VCV001952686.5), dbSNP rs373956169, ClinGen allele CA9639624.

ClinVar aggregate classification (germline): Uncertain significance (1 of 4 stars; one submission).

Conditions:
Familial cold autoinflammatory syndrome 2 (FCAS2). Identifiers: Orphanet 247868, MedGen C2673198, MONDO:0012724, OMIM 611762.

Allele frequency attached by ClinVar (database versions not stated): ExAC 0.00002; gnomAD 0.00003; TOPMed 0.00004; ESP Exome Variant Server 0.00008.

Submission:

Labcorp Genetics (formerly Invitae), Labcorp
Classification: Uncertain significance for Familial cold autoinflammatory syndrome 2. Last evaluated: 2025-11-15. Review status: criteria provided, single submitter. Criteria: Invitae Variant Classification Sherloc (09022015). Collection method: clinical testing. Allele origin: germline.
Comment: This sequence change replaces glycine, which is neutral and non-polar, with arginine, which is basic and polar, at codon 237 of the NLRP12 protein (p.Gly237Arg). This variant is present in population databases (rs373956169, gnomAD 0.007%). This variant has not been reported in the literature in individuals affected with NLRP12-related conditions. ClinVar contains an entry for this variant (Variation ID: 1952686). Invitae Evidence Modeling of protein sequence and biophysical properties (such as structural, functional, and spatial information, amino acid conservation, physicochemical variation, residue mobility, and thermodynamic stability) indicates that this missense variant is expected to disrupt NLRP12 protein function with a positive predictive value of 80%. In summary, the available evidence is currently insufficient to determine the role of this variant in disease. Therefore, it has been classified as a Variant of Uncertain Significance.